The following is an entry in ClinVar:

ClinVar aggregate classification (germline): Likely pathogenic (1 of 4 stars; one submission).

Submission:

GeneDx
Classification: Likely pathogenic. Last evaluated: 2016-03-23. Review status: criteria provided, single submitter. Criteria: GeneDx Variant Classification (06012015). Collection method: clinical testing. Allele origin: germline. Affected: yes.
Comment: The c.5614delGins12 variant in the USH2A gene has not been reported previously as a pathogenic variant nor as a benign variant, to our knowledge. This variant causes a frameshift starting with codon Alanine 1872, changes this amino acid to a Leucine residue, and creates a premature Stop codon at position 64 of the new reading frame, denoted p.Ala1872LeufsX64. This variant is predicted to cause loss of normal protein function either through protein truncation or nonsense-mediated mRNA decay. The c.5614delGins12 variant was not observed in approximately 6500 individuals of European and African American ancestry in the NHLBI Exome Sequencing Project, indicating it is not a common benign variant in these populations. The c.5614delGins12 variant is a strong candidate for a pathogenic variant, however the possibility it may be a rare benign variant cannot be excluded.

NM_206933.4(USH2A):c.5614delinsTTAAGTTGGCAT (p.Ala1872fs)

Genes: USH2A (usherin; minus strand), USH2A-AS2 (USH2A antisense RNA 2; plus strand). Cytogenetic location: 1q41.
Variant type: Indel.
Coding change: c.5614delinsTTAAGTTGGCAT on transcript NM_206933.4 (MANE Select); coding-DNA position 5614, G replaced by TTAAGTTGGCAT.
Protein change: p.Ala1872fs; shifts the reading frame from alanine 1872.
Molecular consequence: frameshift variant.
Genome position (GRCh38, 1-based): chr1:216,073,259, C replaced by ATGCCAACTTAA on the plus strand (G replaced by TTAAGTTGGCAT on the coding strand, the reverse complement: USH2A is on the minus strand). VCF-style: chr1-216073259-C-ATGCCAACTTAA. GRCh37 (hg19) VCF-style: chr1-216246601-C-ATGCCAACTTAA.
Other names: short protein forms A1872fs.
Identifiers: ClinVar variation 420781 (VCV000420781.1), dbSNP rs869312180, ClinGen allele CA16617058.
Genomic context (GRCh38, chr1:216,073,259, plus strand): 5'-GGCATCCATCCAGATTGACTCTGACAGCACCGCTGGACACAGATGCCAAGTTAACGACAG[C>ATGCCAACTTAA]ACCCCGTGTAAATTTAACATCCTTCATGCAACCACCGAAACCTAGCAAATAGTAAGGGAT-3'